The following is an entry in ClinVar:

ClinVar aggregate classification (germline): Uncertain significance (1 of 4 stars; one submission).

Allele frequency attached by ClinVar (database versions not stated): gnomAD exomes below 0.00001.
gnomAD v4.1: 4 of 1,612,450 alleles (0.00025%); highest among the groups gnomAD compares: Non-Finnish European, 0.00034%; no homozygotes.

Submission:

Labcorp Genetics (formerly Invitae), Labcorp
Classification: Uncertain significance. Last evaluated: 2024-02-14. Review status: criteria provided, single submitter. Criteria: Invitae Variant Classification Sherloc (09022015). Collection method: clinical testing. Allele origin: germline.
Comment: This sequence change replaces glutamic acid, which is acidic and polar, with glutamine, which is neutral and polar, at codon 375 of the RFWD3 protein (p.Glu375Gln). This variant is present in population databases (no rsID available, gnomAD 0.002%). This variant has not been reported in the literature in individuals affected with RFWD3-related conditions. An algorithm developed to predict the effect of missense changes on protein structure and function (PolyPhen-2) suggests that this variant is likely to be disruptive. In summary, the available evidence is currently insufficient to determine the role of this variant in disease. Therefore, it has been classified as a Variant of Uncertain Significance.

NM_018124.4(RFWD3):c.1123G>C (p.Glu375Gln)

Gene: RFWD3 (ring finger and WD repeat domain 3; minus strand). Cytogenetic location: 16q23.1.
Variant type: single nucleotide variant.
Coding change: c.1123G>C on transcript NM_018124.4 (MANE Select); coding-DNA position 1123, G replaced by C.
Protein change: p.Glu375Gln; replaces glutamic acid 375 with glutamine.
Molecular consequence: missense variant.
Genome position (GRCh38, 1-based): chr16:74,637,927, C>G on the plus strand (G>C on the coding strand, the complement: RFWD3 is on the minus strand). VCF-style: chr16-74637927-C-G. GRCh37 (hg19) VCF-style: chr16-74671825-C-G.
Other names: c.1123G>C, p.Glu375Gln (NM_001370534.1, NM_001370535.1, NM_001370536.1); c.289G>C, p.Glu97Gln (NM_001370537.1, NM_001370539.1, NM_001370540.1 and 3 more transcripts); short protein forms E375Q, E97Q.
Identifiers: ClinVar variation 2762434 (VCV002762434.3), dbSNP rs1289528974, ClinGen allele CA396762404.